The following is an entry in ClinVar:

ClinVar aggregate classification (germline): Uncertain significance (1 of 4 stars; one submission).

Conditions:
Cardiovascular phenotype. Identifiers: MedGen CN230736.

Submission:

Ambry Genetics
Classification: Uncertain significance for Cardiovascular phenotype. Last evaluated: 2024-02-09. Review status: criteria provided, single submitter. Criteria: Ambry Variant Classification Scheme 2023. Collection method: clinical testing. Allele origin: germline.
Comment: The p.R32G variant (also known as c.94C>G), located in coding exon 1 of the KCNE3 gene, results from a C to G substitution at nucleotide position 94. The arginine at codon 32 is replaced by glycine, an amino acid with dissimilar properties. This amino acid position is conserved. In addition, this alteration is predicted to be tolerated by in silico analysis. Based on the available evidence, the clinical significance of this alteration remains unclear.

NM_005472.5(KCNE3):c.94C>G (p.Arg32Gly)

Gene: KCNE3 (potassium voltage-gated channel subfamily E regulatory subunit 3; minus strand). Cytogenetic location: 11q13.4.
Variant type: single nucleotide variant.
Coding change: c.94C>G on transcript NM_005472.5 (MANE Select); coding-DNA position 94, C replaced by G.
Protein change: p.Arg32Gly; replaces arginine 32 with glycine.
Molecular consequence: missense variant.
Genome position (GRCh38, 1-based): chr11:74,457,470, G>C on the plus strand (C>G on the coding strand, the complement: KCNE3 is on the minus strand). VCF-style: chr11-74457470-G-C. GRCh37 (hg19) VCF-style: chr11-74168515-G-C.
Other names: short protein forms R32G.
Identifiers: ClinVar variation 3224710 (VCV003224710.1), dbSNP rs755300564, ClinGen allele CA6184861.